The following is an entry in ClinVar:

ClinVar aggregate classification (germline): Uncertain significance. Review status: criteria provided, multiple submitters, no conflicts (2 of 4 stars). 2 submissions from 2 submitters: Uncertain significance (2). Last evaluated 2023-05-19.

Conditions:
Hereditary cancer-predisposing syndrome. Also called: Hereditary Cancer Syndrome; Hereditary neoplastic syndrome; Neoplastic Syndromes, Hereditary; Tumor predisposition. Identifiers: Orphanet 140162, MedGen C0027672, MeSH D009386, MONDO:0015356.
Parathyroid carcinoma (PRTC). Also called: CDC73-Related Parathyroid Carcinoma; Parathyroid gland carcinoma. Identifiers: Orphanet 143, MedGen C0687150, MONDO:0012004, OMIM 608266, HP:0006780.

Submissions (2):

Labcorp Genetics (formerly Invitae), Labcorp
Classification: Uncertain significance for Parathyroid carcinoma. Last evaluated: 2023-05-19. Review status: criteria provided, single submitter. Criteria: Invitae Variant Classification Sherloc (09022015). Collection method: clinical testing. Allele origin: germline.
Comment: This sequence change replaces glutamine, which is neutral and polar, with leucine, which is neutral and non-polar, at codon 10 of the CDC73 protein (p.Gln10Leu). Advanced modeling of protein sequence and biophysical properties (such as structural, functional, and spatial information, amino acid conservation, physicochemical variation, residue mobility, and thermodynamic stability) performed at Invitae indicates that this missense variant is not expected to disrupt CDC73 protein function. ClinVar contains an entry for this variant (Variation ID: 1691936). This variant has not been reported in the literature in individuals affected with CDC73-related conditions. This variant is not present in population databases (gnomAD no frequency). In summary, the available evidence is currently insufficient to determine the role of this variant in disease. Therefore, it has been classified as a Variant of Uncertain Significance.

Sema4
Classification: Uncertain significance for Hereditary cancer-predisposing syndrome. Last evaluated: 2021-10-29. Review status: criteria provided, single submitter. Criteria: Sema4 Curation Guidelines. Collection method: curation. Allele origin: germline.
Comment: The CDC73 c.29A>T (p.Q10L) variant has not been reported in the literature to our knowledge. It was not observed in the large and broad cohorts of the Genome Aggregation Database (PMID: 32461654). The variant has not been reported in ClinVar. Functional studies have not been performed, and in silico predictions of the variant's effect on protein function are inconclusive. The evidence is insufficient to meet ACMG/AMP criteria for classifying the variant as benign or pathogenic. Thus, the clinical significance of this variant is currently uncertain.

NM_024529.5(CDC73):c.29A>T (p.Gln10Leu)

Gene: CDC73 (cell division cycle 73; plus strand). Cytogenetic location: 1q31.2.
Variant type: single nucleotide variant.
Coding change: c.29A>T on transcript NM_024529.5 (MANE Select); coding-DNA position 29, A replaced by T.
Protein change: p.Gln10Leu; replaces glutamine 10 with leucine.
Molecular consequence: missense variant.
Genome position (GRCh38, 1-based): chr1:193,122,229, A>T. VCF-style: chr1-193122229-A-T. GRCh37 (hg19) VCF-style: chr1-193091359-A-T.
Other names: short protein forms Q10L.
Identifiers: ClinVar variation 1691936 (VCV001691936.4), dbSNP rs2103111611, ClinGen allele CA343972780.